The following is an entry in ClinVar:

ClinVar aggregate classification (germline): Likely benign. Review status: criteria provided, multiple submitters, no conflicts (2 of 4 stars). 3 submissions from 3 submitters: Likely benign (3). Last evaluated 2025-07-02.

Allele frequency attached by ClinVar (database versions not stated): gnomAD 0.00004 and 0.00005; ExAC 0.00005; gnomAD exomes 0.00006 and 0.00016; TOPMed 0.00008; ESP Exome Variant Server 0.00022.
gnomAD v4.1: 230 of 1,551,458 alleles (0.015%); highest among the groups gnomAD compares: Non-Finnish European, 0.019%; no homozygotes.

Submissions (3):

Labcorp Genetics (formerly Invitae), Labcorp
Classification: Likely benign. Last evaluated: 2025-07-02. Review status: criteria provided, single submitter. Criteria: Invitae Variant Classification Sherloc (09022015). Collection method: clinical testing. Allele origin: germline.

Blueprint Genetics
Classification: Likely benign. Last evaluated: 2023-03-16. Review status: criteria provided, single submitter. Criteria: ACMG Guidelines, 2015. Collection method: clinical testing. Allele origin: germline.

CeGaT Center for Human Genetics Tuebingen
Classification: Likely benign. Last evaluated: 2022-05-01. Review status: criteria provided, single submitter. Criteria: CeGaT Center For Human Genetics Tuebingen Variant Classification Criteria Version 2. Collection method: clinical testing. Allele origin: germline. Affected: yes. Observed: 1 variant allele.
Comment: UNC80: BP4, BP7

NM_001371986.1(UNC80):c.9597A>G (p.Leu3199=)

Gene: UNC80 (unc-80 subunit of NALCN channel complex; plus strand). Cytogenetic location: 2q34.
Variant type: single nucleotide variant.
Coding change: c.9597A>G on transcript NM_001371986.1 (MANE Select); coding-DNA position 9597, A replaced by G.
Protein change: p.Leu3199=; no amino-acid change (leucine 3199 retained).
Molecular consequence: synonymous variant.
Genome position (GRCh38, 1-based): chr2:209,994,153, A>G. VCF-style: chr2-209994153-A-G. GRCh37 (hg19) VCF-style: chr2-210858877-A-G.
Other names: c.9399A>G, p.Leu3133= (NM_032504.2); c.9327A>G, p.Leu3109= (NM_182587.4).
Identifiers: ClinVar variation 761356 (VCV000761356.33), dbSNP rs370386829, ClinGen allele CA2083696.
Genomic context (GRCh38, chr2:209,994,153, plus strand): 5'-TGAGGCTCAGCCAGAGCCAGCAGCTGCCCCAACAGATGCGCTTCCTGCAACAGGCCAACT[A>G]CAGGGCTGTAGCCCAGCCCCTTCTAGGAAACCAGAAGCAATGGACGAACCAGTCCTCACA-3'
Protein context (NP_001358915.1, residues 3189-3209): PTDALPATGQ[Leu3199=]QGCSPAPSRK